The following is an entry in ClinVar:

ClinVar aggregate classification (germline): Pathogenic. Review status: criteria provided, multiple submitters, no conflicts (2 of 4 stars). 4 submissions from 4 submitters: Pathogenic (3). 1 of the submissions does not count toward it. Last evaluated 2025-11-07.

Conditions:
Glycogen storage disease, type V (GSD5). Also called: MYOPHOSPHORYLASE DEFICIENCY; MCARDLE DISEASE; MUSCLE GLYCOGEN PHOSPHORYLASE DEFICIENCY; McArdle type glycogen storage disease; PYGM DEFICIENCY. Identifiers: Orphanet 368, MedGen C0017924, MONDO:0009293, OMIM 232600.
Tip-toe gait. Also called: Toe walking. Identifiers: MedGen C0427144, HP:0030051.

Allele frequency attached by ClinVar (database versions not stated): TOPMed below 0.00001; ExAC 0.00001; gnomAD 0.00001; gnomAD exomes 0.00001 and 0.00004.

Submissions (4):

Myriad Genetics, Inc.
Classification: Pathogenic for Glycogen storage disease, type V. Last evaluated: 2025-11-07. Review status: criteria provided, single submitter. Criteria: Myriad Autosomal Dominant, Autosomal Recessive and X-Linked Classification Criteria (2023). Collection method: clinical testing. Allele origin: unknown.
Comment: NM_005609.2(PYGM):c.1353dupC(A452Rfs*23) is a frameshift variant classified as pathogenic in the context of glycogen storage disease, PYGM-related. A452Rfs*23 has been observed in cases with relevant disease (PMID: 34534370). Relevant functional assessments of this variant are not available in the literature. A452Rfs*23 has been observed in referenced population frequency databases. In summary, NM_005609.2(PYGM):c.1353dupC(A452Rfs*23) is a frameshift variant in a gene where loss of function is a known mechanism of disease, is predicted to disrupt protein function, and has been observed more frequently in cases with the relevant disease than in healthy populations. Please note: this variant was assessed in the context of healthy population screening.

Labcorp Genetics (formerly Invitae), Labcorp
Classification: Pathogenic for Glycogen storage disease, type V. Last evaluated: 2024-07-12. Review status: criteria provided, single submitter. Criteria: Invitae Variant Classification Sherloc (09022015). Collection method: clinical testing. Allele origin: germline.
Comment: This sequence change creates a premature translational stop signal (p.Ala452Argfs*23) in the PYGM gene. It is expected to result in an absent or disrupted protein product. Loss-of-function variants in PYGM are known to be pathogenic (PMID: 8316268, 16786513). This variant is present in population databases (rs779562449, gnomAD 0.002%). This premature translational stop signal has been observed in individual(s) with McArdle disease (PMID: 34534370). ClinVar contains an entry for this variant (Variation ID: 1069632). For these reasons, this variant has been classified as Pathogenic.

Baylor Genetics
Classification: Pathogenic for Glycogen storage disease, type V. Last evaluated: 2024-02-09. Review status: criteria provided, single submitter. Criteria: ACMG Guidelines, 2015. Collection method: clinical testing. Allele origin: unknown.

Practice for Gait Abnormalities, David Pomarino, Competency Network Toe Walking C/o Practice Pomarino
Classification: Likely pathogenic for Tip-toe gait. Last evaluated: 2023-01-10. Review status: flagged submission. Collection method: clinical testing. Allele origin: germline. Affected: yes. Not counted in ClinVar's aggregate classification.
Comment: Toe Walking has various causes, ranging from idiopathic or habitual reasons to an underlying neuromuscular disease. The most observed form of toe walking is idiopathic toe walking (ITW) - a diagnosis of exclusion. ITW occurs in about 5% of children after their second birthday and is a common problem in pediatric orthopedics. In about 70% of these cases, there is spontaneous remission within six months of the onset of ITW. If the toe walk persists, one can assume the presence of a non-idiopathic form of toe walk (n-ITW). In n-ITW, the causes of the abnormal gait are neurological or myogenic. Differential diagnoses such as infantile cerebral palsy, muscular dystrophy, spinal amyotrophy and hereditary motor-sensory neuropathy as well as rare metabolic disorders of the musculature must be considered (Pomarino et al., 2018). In our clinical ITW consultation, we screen children with n-ITW for a genetic form of tiptoe gait using next generation sequencing for gene variants in 49 genes. These are genes in which gene variants can lead to neuromuscular diseases in which an association with toe-tapping gait has been reported or can be suspected due to patients’ clinical symptoms. To the best of our knowledge, this is the first study in which several patients with toe walking displayed heterozygosity for pathogenic or likely pathogenic PYGM mutations and mild symptoms of the metabolic muscle disease McArdle. The findings of our research are in line with recently published observations in heterozygous family members patients with McArdle disease. We should mention that some of the patients in our cohort harbored heterozygous variants in other genes of our gene panel. However, the numbers in this study were too small to workout any resulting combined genetic effects. It is concluded that genetic conditions can contribute to the development of toe walking. Apparently, even a slight genetic weakening of the muscles can lead to changes to the gait pattern. Future studies must show how the pathomechanism can be explained for the PYGM variants and whether there are new therapeutic approaches to be developed based on this research.
ClinVar note: Notes: This gene has insufficient supporting evidence for isolated Tip-Toe Gait.
ClinVar note: Reason: Claim with insufficient supporting evidence

Literature cited by the submitters: PubMed 34534370 (cited by Myriad Genetics, Inc. and Labcorp Genetics (formerly Invitae), Labcorp); PubMed 8316268 (cited by Labcorp Genetics (formerly Invitae), Labcorp); PubMed 16786513 (cited by Labcorp Genetics (formerly Invitae), Labcorp); PubMed 29881221 (cited by Practice for Gait Abnormalities, David Pomarino, Competency Network Toe Walking C/o Practice Pomarino); DOI 10.1016/j.rchot.2016.09.001 (cited by Practice for Gait Abnormalities, David Pomarino, Competency Network Toe Walking C/o Practice Pomarino); DOI 10.51793/OS.2022.25.6.010 (cited by Practice for Gait Abnormalities, David Pomarino, Competency Network Toe Walking C/o Practice Pomarino).

NM_005609.4(PYGM):c.1353dup (p.Ala452fs)

Gene: PYGM (glycogen phosphorylase, muscle associated; minus strand). Cytogenetic location: 11q13.1.
Variant type: Duplication.
Coding change: c.1353dup on transcript NM_005609.4 (MANE Select); coding-DNA position 1353, one base duplicated (C; older notation c.1353dupC).
Protein change: p.Ala452fs; shifts the reading frame from alanine 452.
Molecular consequence: frameshift variant.
Genome position (GRCh38, 1-based): chr11:64,753,569, G duplicated on the plus strand (C on the coding strand, the reverse complement: PYGM is on the minus strand). VCF-style (leftmost placement, unchanged base first): chr11-64753568-C-CG. GRCh37 (hg19) VCF-style: chr11-64521040-C-CG.
Other names: c.1089dup, p.Ala364fs (NM_001164716.1); c.1353dup (NM_005609.3); short protein forms A364fs, A452fs.
Identifiers: ClinVar variation 1069632 (VCV001069632.11), dbSNP rs779562449, ClinGen allele CA6079906.